The following is an entry in ClinVar:

NM_004655.4(AXIN2):c.196G>A (p.Glu66Lys)

Gene: AXIN2 (axin 2; minus strand). Cytogenetic location: 17q24.1.
Variant type: single nucleotide variant.
Coding change: c.196G>A on transcript NM_004655.4 (MANE Select); coding-DNA position 196, G replaced by A.
Protein change: p.Glu66Lys; replaces glutamic acid 66 with lysine.
Molecular consequence: missense variant.
Genome position (GRCh38, 1-based): chr17:65,558,425, C>T on the plus strand (G>A on the coding strand, the complement: AXIN2 is on the minus strand). VCF-style: chr17-65558425-C-T. GRCh37 (hg19) VCF-style: chr17-63554543-C-T.
Other names: p.E66K; c.196G>A, p.Glu66Lys (NM_001363813.1); short protein forms E66K.
Identifiers: ClinVar variation 1303554 (VCV001303554.8), dbSNP rs2144589822, ClinGen allele CA400681920.

ClinVar aggregate classification (germline): Uncertain significance. Review status: criteria provided, multiple submitters, no conflicts (2 of 4 stars). 3 submissions from 3 submitters: Uncertain significance (3). Last evaluated 2022-05-03.

Conditions:
AXIN2-related disorder.
Oligodontia-cancer predisposition syndrome. Also called: TOOTH AGENESIS-COLORECTAL CANCER SYNDROME. Identifiers: Orphanet 300576, MedGen C1837750, MONDO:0012075, OMIM 608615. Disease mechanism: loss of function.

Submissions (3):

Undiagnosed Diseases Network, NIH
Classification: Uncertain significance for AXIN2-related disorder. Last evaluated: 2022-05-03. Review status: criteria provided, single submitter. Criteria: ACMG Guidelines, 2015. Collection method: clinical testing. Allele origin: de novo. Affected: yes. Observed: 1 variant allele, 1 heterozygote. Study: Undiagnosed Diseases Network (NIH), UDN.

Labcorp Genetics (formerly Invitae), Labcorp
Classification: Uncertain significance for Oligodontia-cancer predisposition syndrome. Last evaluated: 2021-12-08. Review status: criteria provided, single submitter. Criteria: Invitae Variant Classification Sherloc (09022015). Collection method: clinical testing. Allele origin: germline.
Comment: Algorithms developed to predict the effect of missense changes on protein structure and function are either unavailable or do not agree on the potential impact of this missense change (SIFT: "Tolerated"; PolyPhen-2: "Probably Damaging"; Align-GVGD: "Class C0"). In summary, the available evidence is currently insufficient to determine the role of this variant in disease. Therefore, it has been classified as a Variant of Uncertain Significance. ClinVar contains an entry for this variant (Variation ID: 1303554). This variant has not been reported in the literature in individuals affected with AXIN2-related conditions. This variant is not present in population databases (gnomAD no frequency). This sequence change replaces glutamic acid, which is acidic and polar, with lysine, which is basic and polar, at codon 66 of the AXIN2 protein (p.Glu66Lys).

GeneDx
Classification: Uncertain significance. Last evaluated: 2021-04-21. Review status: criteria provided, single submitter. Criteria: GeneDx Variant Classification Process June 2021. Collection method: clinical testing. Allele origin: germline. Affected: yes.
Comment: Not observed in large population cohorts (Lek et al., 2016); In silico analysis supports that this missense variant has a deleterious effect on protein structure/function; Has not been previously published as pathogenic or benign to our knowledge; This variant is associated with the following publications: (PMID: 22810696)